The following is an entry in ClinVar:

NM_144670.6(A2ML1):c.4234A>G (p.Thr1412Ala)

Gene: A2ML1 (alpha-2-macroglobulin like 1; plus strand). Cytogenetic location: 12p13.31.
Variant type: single nucleotide variant.
Coding change: c.4234A>G on transcript NM_144670.6 (MANE Select); coding-DNA position 4234, A replaced by G.
Protein change: p.Thr1412Ala; replaces threonine 1412 with alanine.
Molecular consequence: missense variant.
Genome position (GRCh38, 1-based): chr12:8,874,437, A>G. VCF-style: chr12-8874437-A-G. GRCh37 (hg19) VCF-style: chr12-9027033-A-G.
Other names: c.2761A>G, p.Thr921Ala (NM_001282424.3); short protein forms T1412A, T921A.
Identifiers: ClinVar variation 386368 (VCV000386368.17), dbSNP rs7315591, ClinGen allele CA6436653.
Genomic context (GRCh38, chr12:8,874,437, plus strand): 5'-AATTTTCATTTTACTTCTAAGGTACTGTTTCATCTGTCTTCCCCACAGCTCATTAAGAAC[A>G]CTCAGACTTACACCTTCACCATCAGCCAAAGTGTGCTGGTCACCAACTTGAAACCAGCAA-3'
Protein context (NP_653271.3, residues 1402-1422): NIYLDELIKN[Thr1412Ala]QTYTFTISQS

ClinVar aggregate classification (germline): Benign. Review status: criteria provided, multiple submitters, no conflicts (2 of 4 stars). 6 submissions from 6 submitters: Benign (4). 2 of the submissions do not count toward it. Last evaluated 2026-02-04.

Allele frequency attached by ClinVar (database versions not stated): gnomAD exomes 0.00657; ExAC 0.00776; gnomAD 0.02333; ESP Exome Variant Server 0.02587; 1000 Genomes Project 0.02616; 1000 Genomes Project 30x 0.02717; TOPMed 0.02926.
gnomAD v4.1: 7,717 of 1,613,884 alleles (0.48%); highest among the groups gnomAD compares: African/African-American, 8.8%; 313 homozygotes.

Submissions (6):

Labcorp Genetics (formerly Invitae), Labcorp
Classification: Benign. Last evaluated: 2026-02-04. Review status: criteria provided, single submitter. Criteria: Invitae Variant Classification Sherloc (09022015). Collection method: clinical testing. Allele origin: germline.

Women's Health and Genetics/Laboratory Corporation of America, LabCorp
Classification: Benign. Last evaluated: 2019-09-09. Review status: criteria provided, single submitter. Criteria: LabCorp Variant Classification Summary - May 2015. Collection method: clinical testing. Allele origin: germline.
Comment: Variant summary: A2ML1 c.4234A>G (p.Thr1412Ala) results in a non-conservative amino acid change located in the Alpha-macroglobulin, receptor-binding domain (IPR009048) of the encoded protein sequence. Four of five in-silico tools predict a benign effect of the variant on protein function. The variant allele was found at a frequency of 0.0066 in 249498 control chromosomes, predominantly at a frequency of 0.091 within the African or African-American subpopulation in the gnomAD database, including 55 homozygotes. The observed variant frequency within African or African-American control individuals in the gnomAD database is approximately 22749 fold of the estimated maximal expected allele frequency for a pathogenic variant in A2ML1 causing Noonan Syndrome phenotype (4e-06), strongly suggesting that the variant is a benign polymorphism found primarily in populations of African or African-American origin. To our knowledge, no occurrence of c.4234A>G in individuals affected with Noonan Syndrome and no experimental evidence demonstrating its impact on protein function have been reported. Two ClinVar submissions (evaluation after 2014) cite the variant as benign. Based on the evidence outlined above, the variant was classified as benign.

GeneDx
Classification: Benign. Last evaluated: 2016-11-07. Review status: criteria provided, single submitter. Criteria: GeneDx Variant Classification (06012015). Collection method: clinical testing. Allele origin: germline. Affected: yes.
Comment: This variant is considered likely benign or benign based on one or more of the following criteria: it is a conservative change, it occurs at a poorly conserved position in the protein, it is predicted to be benign by multiple in silico algorithms, and/or has population frequency not consistent with disease.

Breakthrough Genomics
Classification: Benign. Review status: criteria provided, single submitter. Criteria: ACMG Guidelines, 2015. Collection method: not provided. Allele origin: germline. Inheritance: Autosomal dominant inheritance. Affected: yes.

Clinical Genetics, Academic Medical Center
Classification: Benign. Review status: no assertion criteria provided. Collection method: clinical testing. Allele origin: germline. Affected: yes. Study: VKGL Data-share Consensus. Not counted in ClinVar's aggregate classification.

Joint Genome Diagnostic Labs from Nijmegen and Maastricht, Radboudumc and MUMC+
Classification: Benign. Review status: no assertion criteria provided. Collection method: clinical testing. Allele origin: germline. Affected: yes. Study: VKGL Data-share Consensus. Not counted in ClinVar's aggregate classification.